The following is an entry in ClinVar:

ClinVar aggregate classification (germline): Conflicting classifications of pathogenicity. Review status: criteria provided, conflicting classifications (1 of 4 stars). 3 submissions from 3 submitters: Pathogenic (1); Likely pathogenic (1); Uncertain significance (1). Last evaluated 2025-10-13.

Conditions:
Inflammatory bowel disease 28. Also called: Inflammatory bowel disease 28, early onset, autosomal recessive. Identifiers: Orphanet 238569, MedGen C2751053, MONDO:0013153, OMIM 613148.

Allele frequency attached by ClinVar (database versions not stated): gnomAD 0.00003; TOPMed 0.00004; gnomAD exomes 0.00005 and 0.00006; ExAC 0.00006; ESP Exome Variant Server 0.00008.
gnomAD v4.1: 75 of 1,614,038 alleles (0.0046%); highest among the groups gnomAD compares: South Asian, 0.052%; no homozygotes.

Submissions (3):

Labcorp Genetics (formerly Invitae), Labcorp
Classification: Pathogenic for Inflammatory bowel disease 28. Last evaluated: 2025-10-13. Review status: criteria provided, single submitter. Criteria: Invitae Variant Classification Sherloc (09022015). Collection method: clinical testing. Allele origin: germline.
Comment: This sequence change replaces arginine, which is basic and polar, with glutamine, which is neutral and polar, at codon 101 of the IL10RA protein (p.Arg101Gln). This variant is present in population databases (rs372372851, gnomAD 0.04%). This missense change has been observed in individual(s) with very early-onset inflammatory bowel disease (PMID: 30212871, 37396537). In at least one individual the data is consistent with being in trans (on the opposite chromosome) from a pathogenic variant. ClinVar contains an entry for this variant (Variation ID: 499406). Invitae Evidence Modeling of protein sequence and biophysical properties (such as structural, functional, and spatial information, amino acid conservation, physicochemical variation, residue mobility, and thermodynamic stability) indicates that this missense variant is expected to disrupt IL10RA protein function with a positive predictive value of 80%. Experimental studies are conflicting or provide insufficient evidence to determine the effect of this variant on IL10RA function (PMID: 36370291). This variant disrupts the p.Arg101 amino acid residue in IL10RA. Other variant(s) that disrupt this residue have been determined to be pathogenic (PMID: 22476154, 27699570, 28267044). This suggests that this residue is clinically significant, and that variants that disrupt this residue are likely to be disease-causing. For these reasons, this variant has been classified as Pathogenic.

First Genomix Gene Laboratory, Genetic Diagnostics Department
Classification: Likely pathogenic for Inflammatory bowel disease 28. Last evaluated: 2025-01-06. Review status: criteria provided, single submitter. Criteria: ACMG Guidelines, 2015. Collection method: clinical testing. Allele origin: germline. Inheritance: Autosomal recessive inheritance. Affected: no. Observed: 1 variant allele.

Eurofins Ntd Llc (ga)
Classification: Uncertain significance. Last evaluated: 2017-01-11. Review status: criteria provided, single submitter. Criteria: EGL Classification Definitions 2015. Collection method: clinical testing. Allele origin: germline. Observed: 1 variant allele, 1 heterozygote.

Literature cited by the submitters: PubMed 30212871 (cited by Labcorp Genetics (formerly Invitae), Labcorp); PubMed 37396537 (cited by Labcorp Genetics (formerly Invitae), Labcorp); PubMed 36370291 (cited by Labcorp Genetics (formerly Invitae), Labcorp); PubMed 22476154 (cited by Labcorp Genetics (formerly Invitae), Labcorp); PubMed 27699570 (cited by Labcorp Genetics (formerly Invitae), Labcorp); PubMed 28267044 (cited by Labcorp Genetics (formerly Invitae), Labcorp).

NM_001558.4(IL10RA):c.302G>A (p.Arg101Gln)

Gene: IL10RA (interleukin 10 receptor subunit alpha; plus strand). Cytogenetic location: 11q23.3.
Variant type: single nucleotide variant.
Coding change: c.302G>A on transcript NM_001558.4 (MANE Select); coding-DNA position 302, G replaced by A.
Protein change: p.Arg101Gln; replaces arginine 101 with glutamine.
Molecular consequence: missense variant. On other transcripts: non-coding transcript variant (1).
Genome position (GRCh38, 1-based): chr11:117,989,555, G>A. VCF-style: chr11-117989555-G-A. GRCh37 (hg19) VCF-style: chr11-117860270-G-A.
Other names: short protein forms R101Q.
Identifiers: ClinVar variation 499406 (VCV000499406.12), dbSNP rs372372851, ClinGen allele CA6298891.